The following is an entry in ClinVar:

NM_004998.4(MYO1E):c.2032A>G (p.Ile678Val)

Gene: MYO1E (myosin IE; minus strand). Cytogenetic location: 15q22.2.
Variant type: single nucleotide variant.
Coding change: c.2032A>G on transcript NM_004998.4 (MANE Select); coding-DNA position 2032, A replaced by G.
Protein change: p.Ile678Val; replaces isoleucine 678 with valine.
Molecular consequence: missense variant.
Genome position (GRCh38, 1-based): chr15:59,178,410, T>C on the plus strand (A>G on the coding strand, the complement: MYO1E is on the minus strand). VCF-style: chr15-59178410-T-C. GRCh37 (hg19) VCF-style: chr15-59470609-T-C.
Other names: short protein forms I678V.
Identifiers: ClinVar variation 1475668 (VCV001475668.8), dbSNP rs2140319895, ClinGen allele CA392639935.

ClinVar aggregate classification (germline): Uncertain significance (1 of 4 stars; one submission).

Allele frequency attached by ClinVar (database versions not stated): gnomAD exomes below 0.00001.
gnomAD v4.1: 1 of 1,614,224 alleles (0.000062%); highest among the groups gnomAD compares: Non-Finnish European, 0.000085%; no homozygotes.

Submission:

Labcorp Genetics (formerly Invitae), Labcorp
Classification: Uncertain significance. Last evaluated: 2021-05-18. Review status: criteria provided, single submitter. Criteria: Invitae Variant Classification Sherloc (09022015). Collection method: clinical testing. Allele origin: germline.
Comment: In summary, the available evidence is currently insufficient to determine the role of this variant in disease. Therefore, it has been classified as a Variant of Uncertain Significance. Algorithms developed to predict the effect of missense changes on protein structure and function output the following: SIFT: "Tolerated"; PolyPhen-2: "Benign"; Align-GVGD: "Class C0". The valine amino acid residue is found in multiple mammalian species, suggesting that this missense change does not adversely affect protein function. These predictions have not been confirmed by published functional studies and their clinical significance is uncertain. This variant has not been reported in the literature in individuals with MYO1E-related conditions. This variant is not present in population databases (ExAC no frequency). This sequence change replaces isoleucine with valine at codon 678 of the MYO1E protein (p.Ile678Val). The isoleucine residue is highly conserved and there is a small physicochemical difference between isoleucine and valine.